The following is an entry in ClinVar:

NM_006922.4(SCN3A):c.4259T>G (p.Met1420Arg)

Gene: SCN3A (sodium voltage-gated channel alpha subunit 3; minus strand). Cytogenetic location: 2q24.3.
Variant type: single nucleotide variant.
Coding change: c.4259T>G on transcript NM_006922.4 (MANE Select); coding-DNA position 4259, T replaced by G.
Protein change: p.Met1420Arg; replaces methionine 1420 with arginine.
Molecular consequence: missense variant.
Genome position (GRCh38, 1-based): chr2:165,096,501, A>C on the plus strand (T>G on the coding strand, the complement: SCN3A is on the minus strand). VCF-style: chr2-165096501-A-C. GRCh37 (hg19) VCF-style: chr2-165953011-A-C.
Other names: c.4112T>G, p.Met1371Arg (NM_001081676.2, NM_001081677.2); short protein forms M1371R, M1420R.
Identifiers: ClinVar variation 4160618 (VCV004160618.3).
Genomic context (GRCh38, chr2:165,096,501, plus strand): 5'-ATAAATAATATTTGAGTGATACTTACATCTCGTGAATCAACAGCTGCATACATAATATCC[A>C]TCCAGCCTTTAAATGTGGCCTGTAAATAACATATATTTGAATTGTTCATAAAAATTTCAC-3'
Protein context (NP_008853.3, residues 1410-1430): LLQVATFKGW[Met1420Arg]DIMYAAVDSR

ClinVar aggregate classification (germline): Uncertain significance. Review status: criteria provided, multiple submitters, no conflicts (2 of 4 stars). 2 submissions from 2 submitters: Uncertain significance (2). Last evaluated 2025-09-30.

Conditions:
Inborn genetic diseases. Identifiers: MedGen C0950123, MeSH D030342.

Submissions (2):

Ambry Genetics
Classification: Uncertain significance for Inborn genetic diseases. Last evaluated: 2025-09-30. Review status: criteria provided, single submitter. Criteria: Ambry Variant Classification Scheme 2023. Collection method: clinical testing. Allele origin: germline.
Comment: The c.4259T>G (p.M1420R) alteration is located in exon 24 (coding exon 22) of the SCN3A gene. This alteration results from a T to G substitution at nucleotide position 4259, causing the methionine (M) at amino acid position 1420 to be replaced by an arginine (R). This variant was not reported in population-based cohorts in the Genome Aggregation Database (gnomAD). This amino acid position is highly conserved in available vertebrate species. This alteration is predicted to be deleterious by in silico analysis. Based on insufficient or conflicting evidence, the clinical significance of this alteration remains unclear.

Labcorp Genetics (formerly Invitae), Labcorp
Classification: Uncertain significance. Last evaluated: 2025-03-17. Review status: criteria provided, single submitter. Criteria: Invitae Variant Classification Sherloc (09022015). Collection method: clinical testing. Allele origin: germline.
Comment: This sequence change replaces methionine, which is neutral and non-polar, with arginine, which is basic and polar, at codon 1420 of the SCN3A protein (p.Met1420Arg). This variant is not present in population databases (gnomAD no frequency). This variant has not been reported in the literature in individuals affected with SCN3A-related conditions. Invitae Evidence Modeling of protein sequence and biophysical properties (such as structural, functional, and spatial information, amino acid conservation, physicochemical variation, residue mobility, and thermodynamic stability) has been performed for this missense variant. However, the output from this modeling did not meet the statistical confidence thresholds required to predict the impact of this variant on SCN3A protein function. In summary, the available evidence is currently insufficient to determine the role of this variant in disease. Therefore, it has been classified as a Variant of Uncertain Significance.